The following is an entry in ClinVar:

ClinVar aggregate classification (germline): Likely benign (0 of 4 stars; one submission).

Conditions:
LEP-related disorder. Also called: LEP-related condition.

gnomAD v4.1: 14 of 1,612,434 alleles (0.00087%); highest among the groups gnomAD compares: South Asian, 0.013%; 1 homozygote.

Submission:

PreventionGenetics, part of Exact Sciences
Classification: Likely benign for LEP-related condition. Last evaluated: 2024-03-25. Review status: no assertion criteria provided. Collection method: clinical testing. Allele origin: germline.
Comment: This variant is classified as likely benign based on ACMG/AMP sequence variant interpretation guidelines (Richards et al. 2015 PMID: 25741868, with internal and published modifications).

NM_000230.3(LEP):c.145-9C>G

Gene: LEP (leptin; plus strand). Cytogenetic location: 7q32.1.
Variant type: single nucleotide variant.
Coding change: c.145-9C>G on transcript NM_000230.3 (MANE Select); 9 bases into the intron before coding-DNA position 145, C replaced by G.
Molecular consequence: intron variant.
Genome position (GRCh38, 1-based): chr7:128,254,395, C>G. VCF-style: chr7-128254395-C-G. GRCh37 (hg19) VCF-style: chr7-127894448-C-G.
Identifiers: ClinVar variation 3349372 (VCV003349372.1).